The following is an entry in ClinVar:

ClinVar aggregate classification (germline): Pathogenic (1 of 4 stars; one submission).

Conditions:
Retinitis pigmentosa 12 (RP12). Also called: RP WITH OR WITHOUT PRESERVED PARAARTERIOLE RETINAL PIGMENT EPITHELIUM; RETINITIS PIGMENTOSA WITH OR WITHOUT PARAARTERIOLAR PRESERVATION OF RETINAL PIGMENT EPITHELIUM; RP WITH OR WITHOUT PPRPE. Identifiers: Orphanet 791, MedGen C1838647, MONDO:0010818, OMIM 600105.
Leber congenital amaurosis 8 (LCA8). Identifiers: Orphanet 65, MedGen C3151202, MONDO:0013453, OMIM 613835.

Submission:

Labcorp Genetics (formerly Invitae), Labcorp
Classification: Pathogenic for Leber congenital amaurosis 8; Retinitis pigmentosa 12. Last evaluated: 2025-02-19. Review status: criteria provided, single submitter. Criteria: Invitae Variant Classification Sherloc (09022015). Collection method: clinical testing. Allele origin: germline.
Comment: This sequence change creates a premature translational stop signal (p.Cys1181Tyrfs*30) in the CRB1 gene. It is expected to result in an absent or disrupted protein product. Loss-of-function variants in CRB1 are known to be pathogenic (PMID: 10508521, 22065545, 23379534, 25412400, 26957898, 28041643, 29391521). This variant is not present in population databases (gnomAD no frequency). This variant has not been reported in the literature in individuals affected with CRB1-related conditions. ClinVar contains an entry for this variant (Variation ID: 1422112). For these reasons, this variant has been classified as Pathogenic.

Literature cited by the submitters: PubMed 10508521; PubMed 22065545; PubMed 23379534; PubMed 25412400; PubMed 26957898; PubMed 28041643; PubMed 29391521.

NM_201253.3(CRB1):c.3540_3541dup (p.Cys1181fs)

Gene: CRB1 (crumbs cell polarity complex component 1; plus strand). Cytogenetic location: 1q31.3.
Variant type: Duplication.
Coding change: c.3540_3541dup on transcript NM_201253.3 (MANE Select); coding-DNA positions 3540 to 3541, 2 bases duplicated (AT; older notation c.3540_3541dupAT).
Protein change: p.Cys1181fs; shifts the reading frame from cysteine 1181.
Molecular consequence: frameshift variant. On other transcripts: non-coding transcript variant (2), intron variant (1).
Genome position (GRCh38, 1-based): chr1:197,435,403-197,435,404, AT duplicated. VCF-style (leftmost placement, unchanged base first): chr1-197435402-A-AAT. GRCh37 (hg19) VCF-style: chr1-197404532-A-AAT.
Other names: c.3204_3205dup, p.Cys1069fs (NM_001193640.2); c.3468_3469dup, p.Cys1157fs (NM_001257965.2); c.2129-197_2129-196dup (NM_001257966.2); short protein forms C1157fs, C1181fs, C1069fs.
Identifiers: ClinVar variation 1422112 (VCV001422112.6), dbSNP rs2125500799, ClinGen allele CA2573131451.
Genomic context (GRCh38, chr1:197,435,402, plus strand): 5'-CTTATCATTGCTCCTGTCCCTTGGGATGGTCAGGGAAACACTGTGAACTCAACATCGATG[A>AAT]ATGCTTTTCAAACCCCTGTATCCATGGCAACTGCTCTGACAGAGTTGCAGCCTACCACTG-3'